The following is an entry in ClinVar:

ClinVar aggregate classification (germline): Likely benign (1 of 4 stars; one submission).

Submission:

CeGaT Center for Human Genetics Tuebingen
Classification: Likely benign. Last evaluated: 2023-01-01. Review status: criteria provided, single submitter. Criteria: CeGaT Center For Human Genetics Tuebingen Variant Classification Criteria Version 2. Collection method: clinical testing. Allele origin: germline. Affected: yes. Observed: 1 variant allele.
Comment: ZSWIM6: PP2, BS2

NM_020928.2(ZSWIM6):c.1582G>A (p.Asp528Asn)

Gene: ZSWIM6 (zinc finger SWIM-type containing 6; plus strand). Cytogenetic location: 5q12.1.
Variant type: single nucleotide variant.
Coding change: c.1582G>A on transcript NM_020928.2 (MANE Select); coding-DNA position 1582, G replaced by A.
Protein change: p.Asp528Asn; replaces aspartic acid 528 with asparagine.
Molecular consequence: missense variant.
Genome position (GRCh38, 1-based): chr5:61,525,868, G>A. VCF-style: chr5-61525868-G-A. GRCh37 (hg19) VCF-style: chr5-60821695-G-A.
Other names: short protein forms D528N.
Identifiers: ClinVar variation 2655483 (VCV002655483.24), dbSNP rs766880699, ClinGen allele CA359943379.